The following is an entry in ClinVar:

ClinVar aggregate classification (germline): Likely benign. Review status: criteria provided, single submitter (1 of 4 stars). 2 submissions from 2 submitters: Likely benign (1). 1 of the submissions does not count toward it. Last evaluated 2026-01-09.

Conditions:
USH1C-related disorder. Also called: USH1C-related condition.

Allele frequency attached by ClinVar (database versions not stated): gnomAD exomes 0.00004 and 0.00003; gnomAD 0.00001; ExAC 0.00002; TOPMed 0.00002.
gnomAD v4.1: 54 of 1,614,090 alleles (0.0033%); highest among the groups gnomAD compares: Middle Eastern, 0.13%; 2 homozygotes.

Submissions (2):

Labcorp Genetics (formerly Invitae), Labcorp
Classification: Likely benign. Last evaluated: 2026-01-09. Review status: criteria provided, single submitter. Criteria: Invitae Variant Classification Sherloc (09022015). Collection method: clinical testing. Allele origin: germline.

PreventionGenetics, part of Exact Sciences
Classification: Likely benign for USH1C-related condition. Last evaluated: 2019-08-14. Review status: no assertion criteria provided. Collection method: clinical testing. Allele origin: germline. Not counted in ClinVar's aggregate classification.
Comment: This variant is classified as likely benign based on ACMG/AMP sequence variant interpretation guidelines (Richards et al. 2015 PMID: 25741868, with internal and published modifications).

NM_153676.4(USH1C):c.2520C>T (p.Cys840=)

Gene: USH1C (USH1 protein network component harmonin; minus strand). Cytogenetic location: 11p15.1.
Variant type: single nucleotide variant.
Coding change: c.2520C>T on transcript NM_153676.4 (MANE Select); coding-DNA position 2520, C replaced by T.
Protein change: p.Cys840=; no amino-acid change (cysteine 840 retained).
Molecular consequence: synonymous variant. On other transcripts: non-coding transcript variant (1).
Genome position (GRCh38, 1-based): chr11:17,496,784, G>A on the plus strand (C>T on the coding strand, the complement: USH1C is on the minus strand). VCF-style: chr11-17496784-G-A. GRCh37 (hg19) VCF-style: chr11-17518331-G-A.
Other names: c.2520C>T (NM_153676.3); c.1563C>T, p.Cys521= (NM_001297764.2); c.1620C>T, p.Cys540= (NM_005709.4).
Identifiers: ClinVar variation 1157872 (VCV001157872.11), dbSNP rs761957144, ClinGen allele CA5904122.